The following is an entry in ClinVar:

ClinVar aggregate classification (germline): Benign/Likely benign. Review status: criteria provided, multiple submitters, no conflicts (2 of 4 stars). 5 submissions from 5 submitters: Benign (2); Likely benign (3). Last evaluated 2026-01-20.

Conditions:
Inborn genetic diseases. Identifiers: MedGen C0950123, MeSH D030342.
Kleefstra syndrome 1 (KLEFS1). Identifiers: Orphanet 261494, MedGen C0795833, MONDO:0027407, OMIM 610253.

Allele frequency attached by ClinVar (database versions not stated): gnomAD exomes 0.00007 and 0.00025; ExAC 0.00032; 1000 Genomes Project 30x 0.00078; 1000 Genomes Project 0.00080; gnomAD 0.00084 and 0.00091; ESP Exome Variant Server 0.00085; TOPMed 0.00093.
gnomAD v4.1: 241 of 1,614,128 alleles (0.015%); highest among the groups gnomAD compares: African/African-American, 0.23%; 1 homozygote.

Submissions (5):

Labcorp Genetics (formerly Invitae), Labcorp
Classification: Benign for Kleefstra syndrome 1. Last evaluated: 2026-01-20. Review status: criteria provided, single submitter. Criteria: Invitae Variant Classification Sherloc (09022015). Collection method: clinical testing. Allele origin: germline.

Mayo Clinic Laboratories, Mayo Clinic
Classification: Likely benign. Last evaluated: 2025-06-26. Review status: criteria provided, single submitter. Criteria: ACMG Guidelines, 2015. Collection method: clinical testing. Allele origin: germline. Observed: 1 variant allele.
Comment: BS1, BP4, BP7

CeGaT Center for Human Genetics Tuebingen
Classification: Likely benign. Last evaluated: 2025-01-01. Review status: criteria provided, single submitter. Criteria: CeGaT Center For Human Genetics Tuebingen Variant Classification Criteria Version 2. Collection method: clinical testing. Allele origin: germline. Affected: yes. Observed: 1 variant allele.
Comment: EHMT1: BP4, BP7

GeneDx
Classification: Benign. Last evaluated: 2018-11-05. Review status: criteria provided, single submitter. Criteria: GeneDx Variant Classification Process June 2021. Collection method: clinical testing. Allele origin: germline. Affected: yes.

Ambry Genetics
Classification: Likely benign for Inborn genetic diseases. Last evaluated: 2016-12-16. Review status: criteria provided, single submitter. Criteria: Ambry Variant Classification Scheme 2023. Collection method: clinical testing. Allele origin: germline.

NM_024757.5(EHMT1):c.1149G>A (p.Ser383=)

Gene: EHMT1 (euchromatic histone lysine methyltransferase 1; plus strand). Cytogenetic location: 9q34.3.
Variant type: single nucleotide variant.
Coding change: c.1149G>A on transcript NM_024757.5 (MANE Select); coding-DNA position 1149, G replaced by A.
Protein change: p.Ser383=; no amino-acid change (serine 383 retained).
Molecular consequence: synonymous variant.
Genome position (GRCh38, 1-based): chr9:137,744,069, G>A. VCF-style: chr9-137744069-G-A. GRCh37 (hg19) VCF-style: chr9-140638521-G-A.
Other names: p.Ser383=; c.1149G>A, p.Ser383= (NM_001145527.2, NM_001354611.2); c.1056G>A, p.Ser352= (NM_001354259.2, NM_001354612.2); c.1128G>A, p.Ser376= (NM_001354263.2).
Identifiers: ClinVar variation 366002 (VCV000366002.32), dbSNP rs140345462, ClinGen allele CA5374509.